The following is an entry in ClinVar:

NM_000038.6(APC):c.626A>T (p.Asp209Val)

Gene: APC (APC regulator of Wnt signaling pathway; plus strand). Cytogenetic location: 5q22.2.
Variant type: single nucleotide variant.
Coding change: c.626A>T on transcript NM_000038.6 (MANE Select); coding-DNA position 626, A replaced by T.
Protein change: p.Asp209Val; replaces aspartic acid 209 with valine.
Molecular consequence: missense variant. On other transcripts: 5 prime UTR variant (1).
Genome position (GRCh38, 1-based): chr5:112,780,884, A>T. VCF-style: chr5-112780884-A-T. GRCh37 (hg19) VCF-style: chr5-112116581-A-T.
Other names: c.626A>T, p.Asp209Val (NM_001127510.3, NM_001354895.2, NM_001354896.2 and 2 more transcripts); c.656A>T, p.Asp219Val (NM_001127511.3, NM_001354897.2, NM_001354902.2); c.551A>T, p.Asp184Val (NM_001354898.2, NM_001354904.2); c.449A>T, p.Asp150Val (NM_001354900.2, NM_001354901.2, NM_001354905.2); c.-410A>T (NM_001354906.2); short protein forms D219V, D209V, D150V, D184V.
Identifiers: ClinVar variation 485136 (VCV000485136.17), dbSNP rs1554072636, ClinGen allele CA16022709.

ClinVar aggregate classification (germline): Uncertain significance. Review status: criteria provided, multiple submitters, no conflicts (2 of 4 stars). 3 submissions from 3 submitters: Uncertain significance (3). Last evaluated 2025-07-12.

Conditions:
Hereditary cancer-predisposing syndrome. Also called: Neoplastic Syndromes, Hereditary; Tumor predisposition; Hereditary Cancer Syndrome; Hereditary neoplastic syndrome. Identifiers: Orphanet 140162, MedGen C0027672, MeSH D009386, MONDO:0015356.
Familial adenomatous polyposis 1 (FAP1). Also called: FAMILIAL ADENOMATOUS POLYPOSIS 1, ATTENUATED; POLYPOSIS, ADENOMATOUS INTESTINAL. Identifiers: MedGen C2713442, MONDO:0021056, OMIM 175100. Disease mechanism: loss of function.

Submissions (3):

Ambry Genetics
Classification: Uncertain significance for Hereditary cancer-predisposing syndrome. Last evaluated: 2025-07-12. Review status: criteria provided, single submitter. Criteria: Ambry Variant Classification Scheme 2023. Collection method: clinical testing. Allele origin: germline.
Comment: The p.D209V variant (also known as c.626A>T), located in coding exon 5 of the APC gene, results from an A to T substitution at nucleotide position 626. The aspartic acid at codon 209 is replaced by valine, an amino acid with highly dissimilar properties. This amino acid position is well conserved in available vertebrate species. In addition, in silico predictors for this gene do not accurately predict pathogenicity. Since supporting evidence is limited at this time, the clinical significance of this alteration remains unclear.

Labcorp Genetics (formerly Invitae), Labcorp
Classification: Uncertain significance for Familial adenomatous polyposis 1. Last evaluated: 2025-05-25. Review status: criteria provided, single submitter. Criteria: Invitae Variant Classification Sherloc (09022015). Collection method: clinical testing. Allele origin: germline.
Comment: This sequence change replaces aspartic acid, which is acidic and polar, with valine, which is neutral and non-polar, at codon 209 of the APC protein (p.Asp209Val). This variant is not present in population databases (gnomAD no frequency). This variant has not been reported in the literature in individuals affected with APC-related conditions. ClinVar contains an entry for this variant (Variation ID: 485136). Invitae Evidence Modeling of protein sequence and biophysical properties (such as structural, functional, and spatial information, amino acid conservation, physicochemical variation, residue mobility, and thermodynamic stability) indicates that this missense variant is not expected to disrupt APC protein function with a negative predictive value of 95%. In summary, the available evidence is currently insufficient to determine the role of this variant in disease. Therefore, it has been classified as a Variant of Uncertain Significance.

PreventionGenetics, part of Exact Sciences
Classification: Uncertain significance. Last evaluated: 2018-01-09. Review status: criteria provided, single submitter. Criteria: ACMG Guidelines, 2015. Collection method: clinical testing. Allele origin: germline.